The following is an entry in ClinVar:

NM_005219.5(DIAPH1):c.529G>A (p.Val177Ile)

Gene: DIAPH1 (diaphanous related formin 1; minus strand). Cytogenetic location: 5q31.3.
Variant type: single nucleotide variant.
Coding change: c.529G>A on transcript NM_005219.5 (MANE Select); coding-DNA position 529, G replaced by A.
Protein change: p.Val177Ile; replaces valine 177 with isoleucine.
Molecular consequence: missense variant.
Genome position (GRCh38, 1-based): chr5:141,583,489, C>T on the plus strand (G>A on the coding strand, the complement: DIAPH1 is on the minus strand). VCF-style: chr5-141583489-C-T. GRCh37 (hg19) VCF-style: chr5-140963056-C-T.
Other names: c.502G>A, p.Val168Ile (NM_001079812.3); c.529G>A, p.Val177Ile (NM_001314007.2); short protein forms V177I, V168I.
Identifiers: ClinVar variation 4786968 (VCV004786968.1).
Genomic context (GRCh38, chr5:141,583,489, plus strand): 5'-CACCAGTGAAGTCCAACATTTGGCTCCTACTCCTGTTACCTCCTCAGAATCCTCACCTGA[C>T]AGGGTTGTTGTTGAGAGACACACGAAGGGACTCCAGGCAGCTGAGCAGAGGCATATCCCG-3'
Protein context (NP_005210.3, residues 167-187): SLRVSLNNNP[Val177Ile]SWVQTFGAEG

ClinVar aggregate classification (germline): Uncertain significance (1 of 4 stars; one submission).

Conditions:
Progressive microcephaly-seizures-cortical blindness-developmental delay syndrome. Also called: Seizures, cortical blindness, and microcephaly syndrome. Identifiers: Orphanet 477814, MedGen C5567650, MONDO:0014714, OMIM 616632.
Autosomal dominant nonsyndromic hearing loss 1. Also called: DEAFNESS, AUTOSOMAL DOMINANT 1, WITH OR WITHOUT THROMBOCYTOPENIA; KONIGSMARK SYNDROME. Identifiers: Orphanet 90635, MedGen C1852282, MONDO:0007424, OMIM 124900.

Submission:

Labcorp Genetics (formerly Invitae), Labcorp
Classification: Uncertain significance for Progressive microcephaly-seizures-cortical blindness-developmental delay syndrome; Autosomal dominant nonsyndromic hearing loss 1. Last evaluated: 2025-12-10. Review status: criteria provided, single submitter. Criteria: Invitae Variant Classification Sherloc (09022015). Collection method: clinical testing. Allele origin: germline.
Comment: This sequence change replaces valine, which is neutral and non-polar, with isoleucine, which is neutral and non-polar, at codon 177 of the DIAPH1 protein (p.Val177Ile). This variant is not present in population databases (gnomAD no frequency). This variant has not been reported in the literature in individuals affected with DIAPH1-related conditions. Experimental studies and prediction algorithms are not available or were not evaluated, and the functional significance of this variant is currently unknown. In summary, the available evidence is currently insufficient to determine the role of this variant in disease. Therefore, it has been classified as a Variant of Uncertain Significance.